The following is an entry in ClinVar:

ClinVar aggregate classification (germline): Uncertain significance (1 of 4 stars; one submission).

gnomAD v4.1: 2 of 1,614,110 alleles (0.00012%); highest among the groups gnomAD compares: Admixed American, 0.0017%; no homozygotes.

Submission:

CeGaT Center for Human Genetics Tuebingen
Classification: Uncertain significance. Last evaluated: 2022-12-01. Review status: criteria provided, single submitter. Criteria: CeGaT Center For Human Genetics Tuebingen Variant Classification Criteria Version 2. Collection method: clinical testing. Allele origin: germline. Affected: yes. Observed: 1 variant allele.
Comment: TRHR: PM2

NM_003301.7(TRHR):c.151A>C (p.Met51Leu)

Gene: TRHR (thyrotropin releasing hormone receptor; plus strand). Cytogenetic location: 8q23.1.
Variant type: single nucleotide variant.
Coding change: c.151A>C on transcript NM_003301.7 (MANE Select); coding-DNA position 151, A replaced by C.
Protein change: p.Met51Leu; replaces methionine 51 with leucine.
Molecular consequence: missense variant.
Genome position (GRCh38, 1-based): chr8:109,087,663, A>C. VCF-style: chr8-109087663-A-C. GRCh37 (hg19) VCF-style: chr8-110099892-A-C.
Other names: short protein forms M51L.
Identifiers: ClinVar variation 2658747 (VCV002658747.24), dbSNP rs908519851, ClinGen allele CA183626957.